The following is an entry in ClinVar:

ClinVar aggregate classification (germline): Uncertain significance. Review status: criteria provided, multiple submitters, no conflicts (2 of 4 stars). 2 submissions from 2 submitters: Uncertain significance (2). Last evaluated 2024-09-30.

Conditions:
Inborn genetic diseases. Identifiers: MedGen C0950123, MeSH D030342.

Submissions (2):

Women's Health and Genetics/Laboratory Corporation of America, LabCorp
Classification: Uncertain significance. Last evaluated: 2024-09-30. Review status: criteria provided, single submitter. Criteria: LabCorp Variant Classification Summary - May 2015. Collection method: clinical testing. Allele origin: germline.
Comment: Variant summary: RYR1 c.5617G>A (p.Glu1873Lys) results in a conservative amino acid change in the encoded protein sequence. Four of five in-silico tools predict a benign effect of the variant on protein function. The variant was absent in 248682 control chromosomes. The available data on variant occurrences in the general population are insufficient to allow any conclusion about variant significance. To our knowledge, no occurrence of c.5617G>A in individuals affected with Myopathy, RYR1-Associated and no experimental evidence demonstrating its impact on protein function have been reported. ClinVar contains an entry for this variant (Variation ID: 2556559). Based on the evidence outlined above, the variant was classified as uncertain significance.

Ambry Genetics
Classification: Uncertain significance for Inborn genetic diseases. Last evaluated: 2023-06-05. Review status: criteria provided, single submitter. Criteria: Ambry Variant Classification Scheme 2023. Collection method: clinical testing. Allele origin: germline.

NM_000540.3(RYR1):c.5617G>A (p.Glu1873Lys)

Gene: RYR1 (ryanodine receptor 1; plus strand). Cytogenetic location: 19q13.2.
Variant type: single nucleotide variant.
Coding change: c.5617G>A on transcript NM_000540.3 (MANE Select); coding-DNA position 5617, G replaced by A.
Protein change: p.Glu1873Lys; replaces glutamic acid 1873 with lysine.
Molecular consequence: missense variant.
Genome position (GRCh38, 1-based): chr19:38,489,246, G>A. VCF-style: chr19-38489246-G-A. GRCh37 (hg19) VCF-style: chr19-38979886-G-A.
Other names: c.5617G>A, p.Glu1873Lys (NM_001042723.2); short protein forms E1873K.
Identifiers: ClinVar variation 2556559 (VCV002556559.3), dbSNP rs2514245543, ClinGen allele CA405657897.